The following is an entry in ClinVar:

NM_015425.6(POLR1A):c.809A>G (p.Lys270Arg)

Gene: POLR1A (RNA polymerase I subunit A; minus strand). Cytogenetic location: 2p11.2.
Variant type: single nucleotide variant.
Coding change: c.809A>G on transcript NM_015425.6 (MANE Select); coding-DNA position 809, A replaced by G.
Protein change: p.Lys270Arg; replaces lysine 270 with arginine.
Molecular consequence: missense variant.
Genome position (GRCh38, 1-based): chr2:86,083,090, T>C on the plus strand (A>G on the coding strand, the complement: POLR1A is on the minus strand). VCF-style: chr2-86083090-T-C. GRCh37 (hg19) VCF-style: chr2-86310213-T-C.
Other names: c.809A>G (NM_015425.3); short protein forms K270R.
Identifiers: ClinVar variation 1496641 (VCV001496641.9), dbSNP rs762754960, ClinGen allele CA1746529.
Genomic context (GRCh38, chr2:86,083,090, plus strand): 5'-GAAATAAAAGCCTAGAGAAGATCAAGGCTATTTCTTTAGCCTGATACAGCACCTTCATTC[T>C]TCCACAGGGCAGAAAGGTGTTCGCGGGCACTGGTGGGTGTTAAGTATCCTCGTTTTCCTA-3'
Protein context (NP_056240.2, residues 260-280): SAREHLSALW[Lys270Arg]NEGFFLNYLF

ClinVar aggregate classification (germline): Uncertain significance. Review status: criteria provided, multiple submitters, no conflicts (2 of 4 stars). 2 submissions from 2 submitters: Uncertain significance (2). Last evaluated 2025-12-22.

Conditions:
Inborn genetic diseases. Identifiers: MedGen C0950123, MeSH D030342.

Allele frequency attached by ClinVar (database versions not stated): gnomAD exomes below 0.00001; TOPMed below 0.00001; ExAC 0.00001.

Submissions (2):

Labcorp Genetics (formerly Invitae), Labcorp
Classification: Uncertain significance. Last evaluated: 2025-12-22. Review status: criteria provided, single submitter. Criteria: Invitae Variant Classification Sherloc (09022015). Collection method: clinical testing. Allele origin: germline.
Comment: This sequence change replaces lysine, which is basic and polar, with arginine, which is basic and polar, at codon 270 of the POLR1A protein (p.Lys270Arg). This variant is present in population databases (rs762754960, gnomAD 0.0009%). This variant has not been reported in the literature in individuals affected with POLR1A-related conditions. ClinVar contains an entry for this variant (Variation ID: 1496641). Invitae Evidence Modeling of protein sequence and biophysical properties (such as structural, functional, and spatial information, amino acid conservation, physicochemical variation, residue mobility, and thermodynamic stability) indicates that this missense variant is not expected to disrupt POLR1A protein function with a negative predictive value of 80%. Algorithms developed to predict the effect of sequence changes on RNA splicing suggest that this variant may disrupt the consensus splice site. In summary, the available evidence is currently insufficient to determine the role of this variant in disease. Therefore, it has been classified as a Variant of Uncertain Significance.

Ambry Genetics
Classification: Uncertain significance for Inborn genetic diseases. Last evaluated: 2025-11-06. Review status: criteria provided, single submitter. Criteria: Ambry Variant Classification Scheme 2023. Collection method: clinical testing. Allele origin: germline.